The following is an entry in ClinVar:

ClinVar aggregate classification (germline): Uncertain significance (1 of 4 stars; one submission).

Submission:

Ambry Genetics
Classification: Uncertain significance. Last evaluated: 2023-05-22. Review status: criteria provided, single submitter. Criteria: Ambry Variant Classification Scheme 2023. Collection method: clinical testing. Allele origin: germline.
Comment: The p.L1432I variant (also known as c.4294T>A), located in coding exon 39 of the KIF1B gene, results from a T to A substitution at nucleotide position 4294. The leucine at codon 1432 is replaced by isoleucine, an amino acid with highly similar properties. This amino acid position is highly conserved in available vertebrate species. In addition, the in silico prediction for this alteration is inconclusive. The evidence for this gene-disease relationship is limited; therefore, the clinical significance of this alteration is unclear.

NM_001365951.3(KIF1B):c.4432T>A (p.Leu1478Ile)

Gene: KIF1B (kinesin family member 1B; plus strand). Cytogenetic location: 1p36.22.
Variant type: single nucleotide variant.
Coding change: c.4432T>A on transcript NM_001365951.3 (MANE Select); coding-DNA position 4432, T replaced by A.
Protein change: p.Leu1478Ile; replaces leucine 1478 with isoleucine.
Molecular consequence: missense variant.
Genome position (GRCh38, 1-based): chr1:10,365,165, T>A. VCF-style: chr1-10365165-T-A. GRCh37 (hg19) VCF-style: chr1-10425223-T-A.
Other names: c.4432T>A, p.Leu1478Ile (NM_001365952.1); c.4294T>A, p.Leu1432Ile (NM_015074.3); short protein forms L1432I, L1478I.
Identifiers: ClinVar variation 2563643 (VCV002563643.2), dbSNP rs2521911315, ClinGen allele CA338320576.